The following is an entry in ClinVar:

ClinVar aggregate classification (germline): Pathogenic (1 of 4 stars; one submission).

Conditions:
Familial cancer of breast. Also called: Hereditary breast cancer; BREAST CANCER, FAMILIAL; hereditary breast carcinoma. Identifiers: Orphanet 227535, MedGen C0346153, MONDO:0016419, OMIM 114480. Disease mechanism: loss of function.

Submission:

Labcorp Genetics (formerly Invitae), Labcorp
Classification: Pathogenic for Familial cancer of breast. Last evaluated: 2016-06-13. Review status: criteria provided, single submitter. Criteria: Invitae Variant Classification Sherloc (09022015). Collection method: clinical testing. Allele origin: germline.
Comment: A gross deletion of the genomic region encompassing the full coding sequence of the PALB2 gene has been identified. The boundaries of this event are unknown as the deletion extends beyond the assayed region for this gene and therefore may encompass additional genes. While this particular variant has not been reported in the literature, loss of function variants in PALB2 are known to be pathogenic (PMID: 25099575, 17200668). For these reasons, this variant has been classified as Pathogenic.

NC_000016.10:g.(?_23603162)_(23641357_?)del

Gene: PALB2 (partner and localizer of BRCA2; minus strand). Cytogenetic location: 16p12.2.
Variant type: Deletion.
Identifiers: ClinVar variation 417517 (VCV000417517.2).